The following is an entry in ClinVar:

ClinVar aggregate classification (germline): Uncertain significance. Review status: criteria provided, multiple submitters, no conflicts (2 of 4 stars). 2 submissions from 2 submitters: Uncertain significance (2). Last evaluated 2023-04-07.

Conditions:
Kleefstra syndrome 2 (KLEFS2). Identifiers: MedGen C4540395, MONDO:0054701, OMIM 617768.

Submissions (2):

GeneDx
Classification: Uncertain significance. Last evaluated: 2023-04-07. Review status: criteria provided, single submitter. Criteria: GeneDx Variant Classification Process June 2021. Collection method: clinical testing. Allele origin: germline.
Comment: Not observed at significant frequency in large population cohorts (gnomAD); In silico analysis supports that this missense variant has a deleterious effect on protein structure/function; Has not been previously published as pathogenic or benign to our knowledge

New York Genome Center
Classification: Uncertain significance for Kleefstra syndrome 2. Last evaluated: 2019-12-15. Review status: criteria provided, single submitter. Criteria: NYGC Assertion Criteria 2020. Collection method: clinical testing. Allele origin: germline. Observed: 1 heterozygote. Study: CSER-NYCKidSeq.
Comment: The c.11843A>C (p.Gln3948Pro) variant identified substitutes a well conserved Glutamine for Proline at amino acid 3948/4912 (coding exon 46/59). This variant is absent from gnomAD, suggesting it is not a common benign variant in the populations represented in this database. In silico algorithms do not agree on the effect of this variant, as it is predicted both Deleterious (Provean; score: -2.58) and Tolerated (SIFT; score: 0.162) to the function of the canonical transcript. To our current knowledge this variant has not been reported in affected individuals in the literature. While the majority of pathogenic variants in KMT2C are nonsense or frameshift [PMID: 29069077; PMID: 29276005], missense variants have been described in individuals with clinical symptoms consistent with Kleefstra syndrome [PMID: 29276005], and missense variants have been reported in ClinVar as Likely Pathogenic.

NM_170606.3(KMT2C):c.11843A>C (p.Gln3948Pro)

Gene: KMT2C (lysine methyltransferase 2C; minus strand). Cytogenetic location: 7q36.1.
Variant type: single nucleotide variant.
Coding change: c.11843A>C on transcript NM_170606.3 (MANE Select); coding-DNA position 11843, A replaced by C.
Protein change: p.Gln3948Pro; replaces glutamine 3948 with proline.
Molecular consequence: missense variant.
Genome position (GRCh38, 1-based): chr7:152,156,027, T>G on the plus strand (A>C on the coding strand, the complement: KMT2C is on the minus strand). VCF-style: chr7-152156027-T-G. GRCh37 (hg19) VCF-style: chr7-151853112-T-G.
Other names: short protein forms Q3948P.
Identifiers: ClinVar variation 977408 (VCV000977408.5), dbSNP rs2092022834, ClinGen allele CA370097732.